The following is an entry in ClinVar:

ClinVar aggregate classification (germline): Uncertain significance (1 of 4 stars; one submission).

Allele frequency attached by ClinVar (database versions not stated): gnomAD 0.00001.
gnomAD v4.1: 5 of 1,613,964 alleles (0.00031%); highest among the groups gnomAD compares: South Asian, 0.0033%; no homozygotes.

Submission:

Labcorp Genetics (formerly Invitae), Labcorp
Classification: Uncertain significance. Last evaluated: 2022-06-22. Review status: criteria provided, single submitter. Criteria: Invitae Variant Classification Sherloc (09022015). Collection method: clinical testing. Allele origin: germline.
Comment: This sequence change replaces isoleucine, which is neutral and non-polar, with valine, which is neutral and non-polar, at codon 219 of the TAB2 protein (p.Ile219Val). This variant is present in population databases (no rsID available, gnomAD 0.003%). This variant has not been reported in the literature in individuals affected with TAB2-related conditions. Algorithms developed to predict the effect of missense changes on protein structure and function (SIFT, PolyPhen-2, Align-GVGD) all suggest that this variant is likely to be tolerated. In summary, the available evidence is currently insufficient to determine the role of this variant in disease. Therefore, it has been classified as a Variant of Uncertain Significance.

NM_001292034.3(TAB2):c.655A>G (p.Ile219Val)

Gene: TAB2 (TGF-beta activated kinase 1 (MAP3K7) binding protein 2; plus strand). Cytogenetic location: 6q25.1.
Variant type: single nucleotide variant.
Coding change: c.655A>G on transcript NM_001292034.3 (MANE Select); coding-DNA position 655, A replaced by G.
Protein change: p.Ile219Val; replaces isoleucine 219 with valine.
Molecular consequence: missense variant.
Genome position (GRCh38, 1-based): chr6:149,378,570, A>G. VCF-style: chr6-149378570-A-G. GRCh37 (hg19) VCF-style: chr6-149699706-A-G.
Other names: c.559A>G, p.Ile187Val (NM_001292035.3); c.655A>G, p.Ile219Val (NM_001369506.1, NM_015093.6); short protein forms I187V, I219V.
Identifiers: ClinVar variation 1973512 (VCV001973512.5), dbSNP rs1339642661, ClinGen allele CA365996336.